The following is an entry in ClinVar:

ClinVar aggregate classification (germline): Uncertain significance (1 of 4 stars; one submission).

gnomAD v4.1: 3 of 1,560,432 alleles (0.00019%); highest among the groups gnomAD compares: Non-Finnish European, 0.00026%; no homozygotes.

Submission:

Ambry Genetics
Classification: Uncertain significance. Last evaluated: 2025-03-10. Review status: criteria provided, single submitter. Criteria: Ambry Variant Classification Scheme 2023. Collection method: clinical testing. Allele origin: germline.
Comment: The p.V573I variant (also known as c.1717G>A), located in coding exon 7 of the WNK2 gene, results from a G to A substitution at nucleotide position 1717. The valine at codon 573 is replaced by isoleucine, an amino acid with highly similar properties. This amino acid position is conserved. In addition, this alteration is predicted to be tolerated by in silico analysis. Based on the available evidence, the clinical significance of this variant remains unclear.

NM_006648.4(WNK2):c.1717G>A (p.Val573Ile)

Gene: WNK2 (WNK lysine deficient protein kinase 2; plus strand). Cytogenetic location: 9q22.31.
Variant type: single nucleotide variant.
Coding change: c.1717G>A on transcript NM_006648.4 (MANE Select); coding-DNA position 1717, G replaced by A.
Protein change: p.Val573Ile; replaces valine 573 with isoleucine.
Molecular consequence: missense variant.
Genome position (GRCh38, 1-based): chr9:93,247,717, G>A. VCF-style: chr9-93247717-G-A. GRCh37 (hg19) VCF-style: chr9-96009999-G-A.
Other names: c.1717G>A, p.Val573Ile (NM_001282394.3); short protein forms V573I.
Identifiers: ClinVar variation 3817264 (VCV003817264.1).